The following is an entry in ClinVar:

NM_133433.4(NIPBL):c.2328dup (p.Pro777fs)

Gene: NIPBL (NIPBL cohesin loading factor; plus strand). Cytogenetic location: 5p13.2.
Variant type: Duplication.
Coding change: c.2328dup on transcript NM_133433.4 (MANE Select); coding-DNA position 2328, one base duplicated (A; older notation c.2328dupA).
Protein change: p.Pro777fs; shifts the reading frame from proline 777.
Molecular consequence: frameshift variant.
Genome position (GRCh38, 1-based): chr5:36,985,508, A duplicated; the last of 6 consecutive A bases (chr5:36,985,503-36,985,508); duplicating any one gives the same sequence. VCF-style (leftmost placement, unchanged base first): chr5-36985502-G-GA. GRCh37 (hg19) VCF-style: chr5-36985604-G-GA.
Other names: c.2328dup, p.Pro777fs (NM_001438586.1, NM_015384.5); short protein forms P777fs.
Identifiers: ClinVar variation 4975040 (VCV004975040.1).

ClinVar aggregate classification (germline): Pathogenic (1 of 4 stars; one submission).

Submission:

GeneDx
Classification: Pathogenic. Last evaluated: 2026-03-19. Review status: criteria provided, single submitter. Criteria: GeneDx Variant Classification Process June 2021. Collection method: clinical testing. Allele origin: germline.
Comment: Identified in a patient with growth retardation, intellectual disability, and a palatal malformation in published literature (PMID: 17661813); Frameshift variant predicted to result in protein truncation or nonsense mediated decay in a gene for which loss of function is a known mechanism of disease; Not observed at significant frequency in large population cohorts (gnomAD); This variant is associated with the following publications: (PMID: 17661813)